The following is an entry in ClinVar:

ClinVar aggregate classification (germline): Uncertain significance. Review status: criteria provided, multiple submitters, no conflicts (2 of 4 stars). 3 submissions from 3 submitters: Uncertain significance (3). Last evaluated 2024-06-26.

Conditions:
Spastic ataxia 2. Also called: Ataxia, spastic, 2, autosomal recessive. Identifiers: Orphanet 397946, MedGen C1969796, MONDO:0012651, OMIM 611302.
Inborn genetic diseases. Identifiers: MedGen C0950123, MeSH D030342.

gnomAD v4.1: 5 of 1,614,030 alleles (0.00031%); highest among the groups gnomAD compares: Non-Finnish European, 0.00042%; no homozygotes.

Submissions (3):

Blueprint Genetics
Classification: Uncertain significance. Last evaluated: 2024-06-26. Review status: criteria provided, single submitter. Criteria: ACMG Guidelines, 2015. Collection method: clinical testing. Allele origin: germline.

Ambry Genetics
Classification: Uncertain significance for Inborn genetic diseases. Last evaluated: 2023-05-31. Review status: criteria provided, single submitter. Criteria: Ambry Variant Classification Scheme 2023. Collection method: clinical testing. Allele origin: germline.

Labcorp Genetics (formerly Invitae), Labcorp
Classification: Uncertain significance for Spastic ataxia 2. Last evaluated: 2020-11-13. Review status: criteria provided, single submitter. Criteria: Invitae Variant Classification Sherloc (09022015). Collection method: clinical testing. Allele origin: germline.
Comment: In summary, the available evidence is currently insufficient to determine the role of this variant in disease. Therefore, it has been classified as a Variant of Uncertain Significance. Algorithms developed to predict the effect of missense changes on protein structure and function are either unavailable or do not agree on the potential impact of this missense change (SIFT: "Deleterious"; PolyPhen-2: "Benign"; Align-GVGD: "Class C65"). This variant has not been reported in the literature in individuals with KIF1C-related conditions. This variant is not present in population databases (ExAC no frequency). This sequence change replaces lysine with threonine at codon 183 of the KIF1C protein (p.Lys183Thr). The lysine residue is highly conserved and there is a moderate physicochemical difference between lysine and threonine.

NM_006612.6(KIF1C):c.548A>C (p.Lys183Thr)

Gene: KIF1C (kinesin family member 1C; plus strand). Cytogenetic location: 17p13.2.
Variant type: single nucleotide variant.
Coding change: c.548A>C on transcript NM_006612.6 (MANE Select); coding-DNA position 548, A replaced by C.
Protein change: p.Lys183Thr; replaces lysine 183 with threonine.
Molecular consequence: missense variant.
Genome position (GRCh38, 1-based): chr17:5,002,582, A>C. VCF-style: chr17-5002582-A-C. GRCh37 (hg19) VCF-style: chr17-4905877-A-C.
Other names: c.548A>C (NM_006612.5); short protein forms K183T.
Identifiers: ClinVar variation 1443035 (VCV001443035.10), dbSNP rs1974623326, ClinGen allele CA397346058.
Genomic context (GRCh38, chr17:5,002,582, plus strand): 5'-GGGGTTCTCTGCGGGTCCGGGAGCACCCCATCCTGGGCCCGTACGTGCAGGACCTGTCCA[A>C]ATTGGCTGTGACCTCCTACGCAGACATTGCTGACCTCATGGACTGTGGAAATAAAGCACG-3'
Protein context (NP_006603.2, residues 173-193): ILGPYVQDLS[Lys183Thr]LAVTSYADIA